The following is an entry in ClinVar:

ClinVar aggregate classification (germline): Uncertain significance. Review status: criteria provided, multiple submitters, no conflicts (2 of 4 stars). 7 submissions from 5 submitters: Uncertain significance (7). Last evaluated 2026-06-04.

Conditions:
Inborn genetic diseases. Identifiers: MedGen C0950123, MeSH D030342.
Cone-rod dystrophy 2 (CORD2). Also called: CONE-ROD RETINAL DYSTROPHY; Cone-rod retinal dystrophy 2. Identifiers: Orphanet 1872, MedGen C3489532, MONDO:0007362, OMIM 120970.
Leber congenital amaurosis 7 (LCA7). Identifiers: Orphanet 65, MedGen C3151192, MONDO:0013449, OMIM 613829.
Retinitis pigmentosa (RP). Identifiers: Orphanet 791, MedGen C0035334, MeSH D012174, MONDO:0019200, OMIM 268000. Inheritance: Autosomal dominant, autosomal recessive and X linked inheritance.

gnomAD v4.1: 11 of 1,612,862 alleles (0.00068%); highest among the groups gnomAD compares: African/African-American, 0.0093%; no homozygotes.

Submissions (7):

Ambry Genetics
Classification: Uncertain significance for Inborn genetic diseases. Last evaluated: 2026-06-04. Review status: criteria provided, single submitter. Criteria: Ambry Variant Classification Scheme 2023. Collection method: clinical testing. Allele origin: germline.

Labcorp Genetics (formerly Invitae), Labcorp
Classification: Uncertain significance for Cone-rod dystrophy 2; Leber congenital amaurosis 7. Last evaluated: 2025-06-16. Review status: criteria provided, single submitter. Criteria: Invitae Variant Classification Sherloc (09022015). Collection method: clinical testing. Allele origin: germline.
Comment: This sequence change replaces alanine, which is neutral and non-polar, with proline, which is neutral and non-polar, at codon 189 of the CRX protein (p.Ala189Pro). This variant is not present in population databases (gnomAD no frequency). This variant has not been reported in the literature in individuals affected with CRX-related conditions. ClinVar contains an entry for this variant (Variation ID: 894659). Invitae Evidence Modeling of protein sequence and biophysical properties (such as structural, functional, and spatial information, amino acid conservation, physicochemical variation, residue mobility, and thermodynamic stability) indicates that this missense variant is not expected to disrupt CRX protein function with a negative predictive value of 95%. In summary, the available evidence is currently insufficient to determine the role of this variant in disease. Therefore, it has been classified as a Variant of Uncertain Significance.

Blueprint Genetics
Classification: Uncertain significance. Last evaluated: 2024-03-19. Review status: criteria provided, single submitter. Criteria: ACMG Guidelines, 2015. Collection method: clinical testing. Allele origin: germline.

MGZ Medical Genetics Center
Classification: Uncertain significance for Cone-rod dystrophy 2. Last evaluated: 2022-04-22. Review status: criteria provided, single submitter. Criteria: ACMG Guidelines, 2015. Collection method: clinical testing. Allele origin: germline. Affected: yes. Observed: 1 variant allele.
Comment: ACMG criteria applied: PM2_SUP, BP4

Illumina Laboratory Services, Illumina
Classification: Uncertain significance for Cone-rod dystrophy 2. Last evaluated: 2017-04-27. Review status: criteria provided, single submitter. Criteria: ICSL Variant Classification Criteria 13 December 2019. Collection method: clinical testing. Allele origin: germline.

Illumina Laboratory Services, Illumina
Classification: Uncertain significance for Retinitis pigmentosa. Last evaluated: 2017-04-27. Review status: criteria provided, single submitter. Criteria: ICSL Variant Classification Criteria 13 December 2019. Collection method: clinical testing. Allele origin: germline.

Illumina Laboratory Services, Illumina
Classification: Uncertain significance for Leber congenital amaurosis 7. Last evaluated: 2017-04-27. Review status: criteria provided, single submitter. Criteria: ICSL Variant Classification Criteria 13 December 2019. Collection method: clinical testing. Allele origin: germline.

NM_000554.6(CRX):c.565G>C (p.Ala189Pro)

Gene: CRX (cone-rod homeobox; plus strand). Cytogenetic location: 19q13.33.
Variant type: single nucleotide variant.
Coding change: c.565G>C on transcript NM_000554.6 (MANE Select); coding-DNA position 565, G replaced by C.
Protein change: p.Ala189Pro; replaces alanine 189 with proline.
Molecular consequence: missense variant.
Genome position (GRCh38, 1-based): chr19:47,839,632, G>C. VCF-style: chr19-47839632-G-C. GRCh37 (hg19) VCF-style: chr19-48342889-G-C.
Other names: short protein forms A189P.
Identifiers: ClinVar variation 894659 (VCV000894659.17), dbSNP rs142111462, ClinGen allele CA406631086.